The following is an entry in ClinVar:

NM_001375.3(DNASE2):c.250C>T (p.Arg84Trp)

Genes: DNASE2 (deoxyribonuclease 2, lysosomal; minus strand), LOC117125588 (CRISPRi-FlowFISH-validated KLF1 regulatory element 1; plus strand). Cytogenetic location: 19p13.13.
Variant type: single nucleotide variant.
Coding change: c.250C>T on transcript NM_001375.3 (MANE Select); coding-DNA position 250, C replaced by T.
Protein change: p.Arg84Trp; replaces arginine 84 with tryptophan.
Molecular consequence: missense variant.
Genome position (GRCh38, 1-based): chr19:12,880,989, G>A on the plus strand (C>T on the coding strand, the complement: DNASE2 is on the minus strand). VCF-style: chr19-12880989-G-A. GRCh37 (hg19) VCF-style: chr19-12991803-G-A.
Other names: short protein forms R84W.
Identifiers: ClinVar variation 1476075 (VCV001476075.8), dbSNP rs139356333, ClinGen allele CA9233851.

ClinVar aggregate classification (germline): Uncertain significance (1 of 4 stars; one submission).

Allele frequency attached by ClinVar (database versions not stated): gnomAD exomes 0.00001; ExAC 0.00002; gnomAD 0.00004; ESP Exome Variant Server 0.00008.
gnomAD v4.1: 15 of 1,614,004 alleles (0.00093%); highest among the groups gnomAD compares: African/African-American, 0.0093%; no homozygotes.

Submission:

Labcorp Genetics (formerly Invitae), Labcorp
Classification: Uncertain significance. Last evaluated: 2023-12-11. Review status: criteria provided, single submitter. Criteria: Invitae Variant Classification Sherloc (09022015). Collection method: clinical testing. Allele origin: germline.
Comment: This sequence change replaces arginine, which is basic and polar, with tryptophan, which is neutral and slightly polar, at codon 84 of the DNASE2 protein (p.Arg84Trp). This variant is present in population databases (rs139356333, gnomAD 0.01%). This variant has not been reported in the literature in individuals affected with DNASE2-related conditions. ClinVar contains an entry for this variant (Variation ID: 1476075). An algorithm developed to predict the effect of missense changes on protein structure and function (PolyPhen-2) suggests that this variant is likely to be disruptive. Experimental studies have shown that this missense change affects DNASE2 function (PMID: 24242851). In summary, the available evidence is currently insufficient to determine the role of this variant in disease. Therefore, it has been classified as a Variant of Uncertain Significance.

Literature cited by the submitters: PubMed 24242851.